The following is an entry in ClinVar:

NM_006445.4(PRPF8):c.5376+6T>C

Gene: PRPF8 (pre-mRNA processing factor 8; minus strand). Cytogenetic location: 17p13.3.
Variant type: single nucleotide variant.
Coding change: c.5376+6T>C on transcript NM_006445.4 (MANE Select); 6 bases into the intron after coding-DNA position 5376, T replaced by C.
Molecular consequence: intron variant.
Genome position (GRCh38, 1-based): chr17:1,658,520, A>G on the plus strand (T>C on the coding strand, the complement: PRPF8 is on the minus strand). VCF-style: chr17-1658520-A-G. GRCh37 (hg19) VCF-style: chr17-1561814-A-G.
Identifiers: ClinVar variation 596322 (VCV000596322.15), dbSNP rs369576067, ClinGen allele CA8271445.
Genomic context (GRCh38, chr17:1,658,520, plus strand): 5'-TTAGCCCATTACTCTCCCACAGCCATGTACAGAGTCCCGCACCTATACACTGCTGCTAAC[A>G]CTCACCTTGTGAATAGTCACTCTGTAGACGTTGGTGTCATCCACAAACCAGATAATCTGG-3'

ClinVar aggregate classification (germline): Conflicting classifications of pathogenicity. Review status: criteria provided, conflicting classifications (1 of 4 stars). 3 submissions from 3 submitters: Uncertain significance (2); Likely benign (1). Last evaluated 2024-01-24.

Allele frequency attached by ClinVar (database versions not stated): ExAC 0.00002; gnomAD 0.00002 and 0.00004; gnomAD exomes 0.00002; TOPMed 0.00005; ESP Exome Variant Server 0.00008.
gnomAD v4.1: 36 of 1,612,196 alleles (0.0022%); highest among the groups gnomAD compares: Middle Eastern, 0.016%; no homozygotes.

Submissions (3):

Labcorp Genetics (formerly Invitae), Labcorp
Classification: Uncertain significance. Last evaluated: 2024-01-24. Review status: criteria provided, single submitter. Criteria: Invitae Variant Classification Sherloc (09022015). Collection method: clinical testing. Allele origin: germline.
Comment: This sequence change falls in intron 33 of the PRPF8 gene. It does not directly change the encoded amino acid sequence of the PRPF8 protein. It affects a nucleotide within the consensus splice site. This variant is present in population databases (rs369576067, gnomAD 0.004%). This variant has been observed in individual(s) with retinitis pigmentosa (Invitae). ClinVar contains an entry for this variant (Variation ID: 596322). Variants that disrupt the consensus splice site are a relatively common cause of aberrant splicing (PMID: 17576681, 9536098). Algorithms developed to predict the effect of sequence changes on RNA splicing suggest that this variant is not likely to affect RNA splicing. In summary, the available evidence is currently insufficient to determine the role of this variant in disease. Therefore, it has been classified as a Variant of Uncertain Significance.

Blueprint Genetics
Classification: Likely benign. Last evaluated: 2022-12-19. Review status: criteria provided, single submitter. Criteria: ACMG Guidelines, 2015. Collection method: clinical testing. Allele origin: germline.

Eurofins Ntd Llc (ga)
Classification: Uncertain significance. Last evaluated: 2018-02-27. Review status: criteria provided, single submitter. Criteria: EGL ClinVar v180209 classification definitions. Collection method: clinical testing. Allele origin: germline. Observed: 1 variant allele, 1 heterozygote.

Literature cited by the submitters: PubMed 17576681 (cited by Labcorp Genetics (formerly Invitae), Labcorp); PubMed 9536098 (cited by Labcorp Genetics (formerly Invitae), Labcorp).